The following is an entry in ClinVar:

NM_000046.5(ARSB):c.293T>G (p.Leu98Arg)

Genes: ARSB (arylsulfatase B; minus strand), LOC129994126 (ATAC-STARR-seq lymphoblastoid silent region 16127; plus strand). Cytogenetic location: 5q14.1.
Variant type: single nucleotide variant.
Coding change: c.293T>G on transcript NM_000046.5 (MANE Select); coding-DNA position 293, T replaced by G.
Protein change: p.Leu98Arg; replaces leucine 98 with arginine.
Molecular consequence: missense variant.
Genome position (GRCh38, 1-based): chr5:78,984,956, A>C on the plus strand (T>G on the coding strand, the complement: ARSB is on the minus strand). VCF-style: chr5-78984956-A-C. GRCh37 (hg19) VCF-style: chr5-78280779-A-C.
Other names: c.293T>G, p.Leu98Arg (NM_198709.3); short protein forms L98R.
Identifiers: ClinVar variation 559765 (VCV000559765.3), dbSNP rs1554032090, ClinGen allele CA360196357.

ClinVar aggregate classification (germline): Pathogenic/Likely pathogenic. Review status: criteria provided, multiple submitters, no conflicts (2 of 4 stars). 3 submissions from 3 submitters: Pathogenic (1); Likely pathogenic (2). Last evaluated 2024-06-14.

Conditions:
Mucopolysaccharidosis type 6 (MPS6). Also called: N-ACETYLGALACTOSAMINE-4-SULFATASE DEFICIENCY; MPS VI; MPS 6; Maroteaux Lamy syndrome; ARSB DEFICIENCY; ARYLSULFATASE B DEFICIENCY. Identifiers: Orphanet 583, MedGen C0026709, MONDO:0009661, OMIM 253200.

Allele frequency attached by ClinVar (database versions not stated): gnomAD exomes below 0.00001.

Submissions (3):

Fulgent Genetics
Classification: Likely pathogenic for Mucopolysaccharidosis type 6. Last evaluated: 2024-06-14. Review status: criteria provided, single submitter. Criteria: ACMG Guidelines, 2015. Collection method: clinical testing. Allele origin: germline.

Women's Health and Genetics/Laboratory Corporation of America, LabCorp
Classification: Pathogenic for Mucopolysaccharidosis type 6. Last evaluated: 2024-06-11. Review status: criteria provided, single submitter. Criteria: LabCorp Variant Classification Summary - May 2015. Collection method: clinical testing. Allele origin: germline.
Comment: Variant summary: ARSB c.293T>G (p.Leu98Arg) results in a non-conservative amino acid change located in the Sulfatase, N-terminal domain (IPR000917) of the encoded protein sequence. Five of five in-silico tools predict a damaging effect of the variant on protein function. The frequency data for this variant in gnomAD is considered unreliable, as metrics indicate poor data quality at this position. c.293T>G has been reported in the literature in multiple individuals affected with Mucopolysaccharidosis Type VI (example: Uttarilli_2017, Mathew_2015). These data indicate that the variant is very likely to be associated with disease. The following publications have been ascertained in the context of this evaluation (PMID: 26609033, 26937411). ClinVar contains an entry for this variant (Variation ID: 559765). Based on the evidence outlined above, the variant was classified as pathogenic.

Laboratory of Diagnosis and Therapy of Lysosomal Disorders, University of Padova
Classification: Likely pathogenic for Mucopolysaccharidosis type 6. Last evaluated: 2018-01-01. Review status: criteria provided, single submitter. Criteria: ACMG Guidelines, 2015. Collection method: curation. Allele origin: germline. Affected: yes.
Comment: In vitro functional studies supportive of a damaging effect on the gene product (low to no ARSB activity in homozygotes; PS3); Absent from GnomAD (PM2); Multiple lines of computational evidence support a deleterious effect on the gene product (PP3)

Literature cited by the submitters: PubMed 26937411 (cited by Women's Health and Genetics/Laboratory Corporation of America, LabCorp and Laboratory of Diagnosis and Therapy of Lysosomal Disorders, University of Padova); PubMed 26609033 (cited by Women's Health and Genetics/Laboratory Corporation of America, LabCorp and Laboratory of Diagnosis and Therapy of Lysosomal Disorders, University of Padova); PubMed 30118150 (cited by Laboratory of Diagnosis and Therapy of Lysosomal Disorders, University of Padova).